The following is an entry in ClinVar:

ClinVar aggregate classification (germline): Likely pathogenic (1 of 4 stars; one submission).

Allele frequency attached by ClinVar (database versions not stated): gnomAD exomes below 0.00001.
gnomAD v4.1: 1 of 1,600,878 alleles (0.000062%); highest among the groups gnomAD compares: Non-Finnish European, 0.000085%; no homozygotes.

Submission:

Labcorp Genetics (formerly Invitae), Labcorp
Classification: Likely pathogenic. Last evaluated: 2022-06-27. Review status: criteria provided, single submitter. Criteria: Invitae Variant Classification Sherloc (09022015). Collection method: clinical testing. Allele origin: germline.
Comment: This sequence change affects an acceptor splice site in intron 14 of the MCM8 gene. It is expected to disrupt RNA splicing. Variants that disrupt the donor or acceptor splice site typically lead to a loss of protein function (PMID: 16199547), and loss-of-function variants in MCM8 are known to be pathogenic (PMID: 22771120, 25873734, 31042289). This variant is not present in population databases (gnomAD no frequency). This variant has not been reported in the literature in individuals affected with MCM8-related conditions. Algorithms developed to predict the effect of sequence changes on RNA splicing suggest that this variant may disrupt the consensus splice site. In summary, the currently available evidence indicates that the variant is pathogenic, but additional data are needed to prove that conclusively. Therefore, this variant has been classified as Likely Pathogenic.

Literature cited by the submitters: PubMed 16199547; PubMed 22771120; PubMed 25873734; PubMed 31042289.

NM_032485.6(MCM8):c.1734-2A>G

Gene: MCM8 (minichromosome maintenance 8 homologous recombination repair factor; plus strand). Cytogenetic location: 20p12.3.
Variant type: single nucleotide variant.
Coding change: c.1734-2A>G on transcript NM_032485.6 (MANE Select); the canonical splice acceptor site of the intron before coding-DNA position 1734, A replaced by G.
Molecular consequence: splice acceptor variant.
Genome position (GRCh38, 1-based): chr20:5,984,779, A>G. VCF-style: chr20-5984779-A-G. GRCh37 (hg19) VCF-style: chr20-5965425-A-G.
Other names: c.1734-2A>G (NM_001281520.2); c.1686-2A>G (NM_182802.3); c.1593-2A>G (NM_001281522.2); c.1854-2A>G (NM_001281521.2).
Identifiers: ClinVar variation 2084654 (VCV002084654.1), dbSNP rs2514500246, ClinGen allele CA408204761.